The following is an entry in ClinVar:

ClinVar aggregate classification (germline): Likely pathogenic. Review status: criteria provided, multiple submitters, no conflicts (2 of 4 stars). 2 submissions from 2 submitters: Likely pathogenic (2). Last evaluated 2026-08-25.

Conditions:
Developmental and epileptic encephalopathy, 9 (DEE9). Also called: JUBERG-HELLMAN SYNDROME; Early infantile epileptic encephalopathy 9; PCDH19-Related X-Linked Female-Limited Epilepsy with Mental Retardation; EPILEPSY, FEMALE-RESTRICTED, WITH MENTAL RETARDATION. Identifiers: Orphanet 101039, Orphanet 2076, MedGen C1848137, MONDO:0010246, OMIM 300088. Disease mechanism: loss of function.

Submissions (2):

GeneDx
Classification: Likely pathogenic. Last evaluated: 2026-08-25. Review status: criteria provided, single submitter. Criteria: GeneDx Variant Classification Process June 2021. Collection method: clinical testing. Allele origin: germline.
Comment: Reported previously in three sisters with febrile, generalized tonic-clonic and focal seizures and normal cognitive ability; the variant was inherited from their unaffected father (PMID: 21053371); Published functional studies suggest that the variant impairs dimerization and adhesion (PMID: 27787195); Identified in patients with clinical features consistent with a PCDH19-related disorder referred for genetic testing at GeneDx and in published literature (PMID: 40565278); Not observed at significant frequency in large population cohorts (gnomAD); In silico analysis supports that this missense variant has a deleterious effect on protein structure/function; This variant is associated with the following publications: (PMID: 23334464, 22267240, 35850153, 27787195, 21053371, 40565278)

Labcorp Genetics (formerly Invitae), Labcorp
Classification: Likely pathogenic for Developmental and epileptic encephalopathy, 9. Last evaluated: 2020-05-27. Review status: criteria provided, single submitter. Criteria: Invitae Variant Classification Sherloc (09022015). Collection method: clinical testing. Allele origin: germline.
Comment: In summary, the currently available evidence indicates that the variant is pathogenic, but additional data are needed to prove that conclusively. Therefore, this variant has been classified as Likely Pathogenic. This variant has been reported to affect PCDH19 protein function (PMID: 27787195). This variant has been observed in individual(s) with seizures (PMID: 21053371, Invitae). It has also been observed to segregate with disease in related individuals. ClinVar contains an entry for this variant (Variation ID: 206313). This variant is not present in population databases (ExAC no frequency). This sequence change replaces threonine with arginine at codon 146 of the PCDH19 protein (p.Thr146Arg). The threonine residue is highly conserved and there is a moderate physicochemical difference between threonine and arginine.

Literature cited by the submitters: PubMed 27787195 (cited by Labcorp Genetics (formerly Invitae), Labcorp); PubMed 21053371 (cited by Labcorp Genetics (formerly Invitae), Labcorp).

NM_001184880.2(PCDH19):c.437C>G (p.Thr146Arg)

Gene: PCDH19 (protocadherin 19; minus strand). Cytogenetic location: Xq22.1.
Variant type: single nucleotide variant.
Coding change: c.437C>G on transcript NM_001184880.2 (MANE Select); coding-DNA position 437, C replaced by G.
Protein change: p.Thr146Arg; replaces threonine 146 with arginine.
Molecular consequence: missense variant.
Genome position (GRCh38, 1-based): chrX:100,408,161, G>C on the plus strand (C>G on the coding strand, the complement: PCDH19 is on the minus strand). VCF-style: chrX-100408161-G-C. GRCh37 (hg19) VCF-style: chrX-99663159-G-C.
Other names: p.T146R:ACG>AGG; c.437C>G, p.Thr146Arg (NM_001105243.2, NM_020766.3); short protein forms T146R.
Identifiers: ClinVar variation 206313 (VCV000206313.12), dbSNP rs796052799, ClinGen allele CA316296.